The following is an entry in ClinVar:

NM_032119.4(ADGRV1):c.3040G>T (p.Val1014Phe)

Gene: ADGRV1 (adhesion G protein-coupled receptor V1; plus strand). Cytogenetic location: 5q14.3.
Variant type: single nucleotide variant.
Coding change: c.3040G>T on transcript NM_032119.4 (MANE Select); coding-DNA position 3040, G replaced by T.
Protein change: p.Val1014Phe; replaces valine 1014 with phenylalanine.
Molecular consequence: missense variant. On other transcripts: non-coding transcript variant (1).
Genome position (GRCh38, 1-based): chr5:90,647,515, G>T. VCF-style: chr5-90647515-G-T. GRCh37 (hg19) VCF-style: chr5-89943332-G-T.
Other names: short protein forms V1014F.
Identifiers: ClinVar variation 958181 (VCV000958181.7), dbSNP rs1767960957, ClinGen allele CA360392988.

ClinVar aggregate classification (germline): Uncertain significance (1 of 4 stars; one submission).

Allele frequency attached by ClinVar (database versions not stated): TOPMed below 0.00001.

Submission:

Labcorp Genetics (formerly Invitae), Labcorp
Classification: Uncertain significance. Last evaluated: 2019-11-07. Review status: criteria provided, single submitter. Criteria: Invitae Variant Classification Sherloc (09022015). Collection method: clinical testing. Allele origin: germline.
Comment: In summary, the available evidence is currently insufficient to determine the role of this variant in disease. Therefore, it has been classified as a Variant of Uncertain Significance. Algorithms developed to predict the effect of missense changes on protein structure and function are either unavailable or do not agree on the potential impact of this missense change (SIFT: "Deleterious"; PolyPhen-2: "Probably Damaging"; Align-GVGD: "Class C0"). This variant has not been reported in the literature in individuals with ADGRV1-related conditions. This variant is not present in population databases (ExAC no frequency). This sequence change replaces valine with phenylalanine at codon 1014 of the ADGRV1 protein (p.Val1014Phe). The valine residue is highly conserved and there is a small physicochemical difference between valine and phenylalanine.